The following is an entry in ClinVar:

ClinVar aggregate classification (germline): Uncertain significance (1 of 4 stars; one submission).

Conditions:
Mucopolysaccharidosis, MPS-III-A (MPS3A). Also called: HEPARAN SULFATE SULFATASE DEFICIENCY; SANFILIPPO SYNDROME A; SULFAMIDASE DEFICIENCY; MPS III A; Mucopolysaccharidosis type IIIA (Sanfilippo A); Mucopolysaccharidosis, type IIIA. Identifiers: Orphanet 581, Orphanet 79269, MedGen C0086647, MONDO:0009655, OMIM 252900.

Allele frequency attached by ClinVar (database versions not stated): TOPMed below 0.00001; ExAC 0.00002; gnomAD 0.00001; gnomAD exomes 0.00001.

Submission:

Labcorp Genetics (formerly Invitae), Labcorp
Classification: Uncertain significance for Mucopolysaccharidosis, MPS-III-A. Last evaluated: 2022-04-21. Review status: criteria provided, single submitter. Criteria: Invitae Variant Classification Sherloc (09022015). Collection method: clinical testing. Allele origin: germline.
Comment: This sequence change replaces histidine, which is basic and polar, with tyrosine, which is neutral and polar, at codon 388 of the SGSH protein (p.His388Tyr). This variant is present in population databases (rs753766233, gnomAD 0.01%). This variant has not been reported in the literature in individuals affected with SGSH-related conditions. Advanced modeling of protein sequence and biophysical properties (such as structural, functional, and spatial information, amino acid conservation, physicochemical variation, residue mobility, and thermodynamic stability) performed at Invitae indicates that this missense variant is expected to disrupt SGSH protein function. In summary, the available evidence is currently insufficient to determine the role of this variant in disease. Therefore, it has been classified as a Variant of Uncertain Significance.

NM_000199.5(SGSH):c.1162C>T (p.His388Tyr)

Gene: SGSH (N-sulfoglucosamine sulfohydrolase; minus strand). Cytogenetic location: 17q25.3.
Variant type: single nucleotide variant.
Coding change: c.1162C>T on transcript NM_000199.5 (MANE Select); coding-DNA position 1162, C replaced by T.
Protein change: p.His388Tyr; replaces histidine 388 with tyrosine.
Molecular consequence: missense variant. On other transcripts: 3 prime UTR variant (2), non-coding transcript variant (1).
Genome position (GRCh38, 1-based): chr17:80,210,799, G>A on the plus strand (C>T on the coding strand, the complement: SGSH is on the minus strand). VCF-style: chr17-80210799-G-A. GRCh37 (hg19) VCF-style: chr17-78184598-G-A.
Other names: c.*249C>T (NM_001352921.3); c.*212C>T (NM_001352922.2); short protein forms H388Y.
Identifiers: ClinVar variation 1946061 (VCV001946061.2), dbSNP rs753766233, ClinGen allele CA8817655.
Genomic context (GRCh38, chr17:80,210,799, plus strand): 5'-AGGTGGGTGAGACGTAGAAGTCCTGGTCGATGGGAAAGGGCATCTTGAAGTTGAGGTTGT[G>A]CACGAGGCGGAAGTGCCGGTGCTGCACGGAGCGCATGGGGTAGGACATGGTGACCTCGTG-3'
Protein context (NP_000190.1, residues 378-398): SVQHRHFRLV[His388Tyr]NLNFKMPFPI